The following is an entry in ClinVar:

NM_015506.3(MMACHC):c.217C>T (p.Arg73Ter)

Gene: MMACHC (metabolism of cobalamin associated C; plus strand). Cytogenetic location: 1p34.1.
Variant type: single nucleotide variant.
Coding change: c.217C>T on transcript NM_015506.3 (MANE Select); coding-DNA position 217, C replaced by T.
Protein change: p.Arg73Ter; replaces arginine 73 with a stop codon.
Molecular consequence: nonsense.
Genome position (GRCh38, 1-based): chr1:45,507,491, C>T. VCF-style: chr1-45507491-C-T. GRCh37 (hg19) VCF-style: chr1-45973163-C-T.
Other names: p.R73*:CGA>TGA; c.46C>T, p.Arg16Ter (NM_001330540.2); short protein forms R73*, R16*.
Identifiers: ClinVar variation 203825 (VCV000203825.23), dbSNP rs796051995, ClinGen allele CA312728.
Genomic context (GRCh38, chr1:45,507,491, plus strand): 5'-CTCAGCACGCCTGCCATGTTTGACCGGGCCCTCAAGCCCTTCTTGCAGAGCTGCCACCTC[C>T]GAATGCTGACTGACCCAGTGGACCAGTGTGTGGCCTACCATCTGGGCCGTGTTAGAGAGG-3'

ClinVar aggregate classification (germline): Pathogenic. Review status: criteria provided, multiple submitters, no conflicts (2 of 4 stars). 10 submissions from 10 submitters: Pathogenic (8). 2 of the submissions do not count toward it. Last evaluated 2025-12-28.

Conditions:
MMACHC-related disorder. Also called: MMACHC-related condition.
Cobalamin C disease. Also called: Methylmalonic aciduria and homocystinuria, Vitamin B12-responsive; Vitamin B12 metabolic defect with combined deficiency of methylmalonyl-CoA mutase and homocysteine:methyltetrahydrofolate methyltransferase; Cobalamin-C methylmalonic acidemia and homocystinuria; Methylmalonic acidemia and homocystinuria cblC type; methylmalonic aciduria and homocystinuria type cblC; Methylmalonic aciduria with homocystinuria cblC type. Identifiers: Orphanet 26, Orphanet 79282, MedGen C1848561, MONDO:0010184, OMIM 277400.

Allele frequency attached by ClinVar (database versions not stated): gnomAD exomes below 0.00001; gnomAD 0.00001; TOPMed 0.00002.
gnomAD v4.1: 6 of 1,614,034 alleles (0.00037%); highest among the groups gnomAD compares: African/African-American, 0.0013%; no homozygotes.

Submissions (10):

Labcorp Genetics (formerly Invitae), Labcorp
Classification: Pathogenic for Cobalamin C disease. Last evaluated: 2025-12-28. Review status: criteria provided, single submitter. Criteria: Invitae Variant Classification Sherloc (09022015). Collection method: clinical testing. Allele origin: germline.
Comment: This sequence change creates a premature translational stop signal (p.Arg73*) in the MMACHC gene. It is expected to result in an absent or disrupted protein product. Loss-of-function variants in MMACHC are known to be pathogenic (PMID: 16311595). This variant is present in population databases (rs796051995, gnomAD 0.006%). This premature translational stop signal has been observed in individual(s) with methylmalonic aciduria and homocystinuria (PMID: 16311595, 20631720, 27751223; internal data). In at least one individual the data is consistent with being in trans (on the opposite chromosome) from a pathogenic variant. ClinVar contains an entry for this variant (Variation ID: 203825). For these reasons, this variant has been classified as Pathogenic.

Natera, Inc.
Classification: Pathogenic for Methylmalonic aciduria and homocystinuria cblC type. Last evaluated: 2025-11-12. Review status: criteria provided, single submitter. Criteria: Natera Variant Classification Schema (03/2026). Collection method: clinical testing. Allele origin: germline.
Comment: The c.217C>T variant in MMACHC is a nonsense variant predicted to introduce a stop codon at amino acid 73. This variant is expected to result in nonsense mediated decay, truncation, or a dysfunctional protein product. This variant is rare in the general population with a frequency below the threshold expected for the associated phenotype(s). This variant has been observed in one or more individuals affected with the associated recessive disease, as either homozygous or compound heterozygous with a second variant (PMID: 33240318, 32208535). Given the available evidence, this variant is classified as Pathogenic.

PreventionGenetics, part of Exact Sciences
Classification: Pathogenic for MMACHC-related condition. Last evaluated: 2025-06-05. Review status: criteria provided, single submitter. Criteria: ACMG Guidelines, 2015. Collection method: clinical testing. Allele origin: germline.
Comment: The MMACHC c.217C>T variant is predicted to result in premature protein termination (p.Arg73*). This variant has been reported in the homozygous and compound heterozygous states in multiple individuals with cblC type methylmalonic aciduria and homocystinuria (see for examples, Lerner-Ellis et al. 2006. PubMed ID: 16311595; Liu et al. 2010. PubMed ID: 20631720; Hu et al. 2018. PubMed ID: 30157807). This variant is reported in 0.0056% of alleles in individuals of East Asian descent in gnomAD. Nonsense variants in MMACHC are expected to be pathogenic. This variant is interpreted as pathogenic.

Fulgent Genetics
Classification: Pathogenic for Cobalamin C disease. Last evaluated: 2024-04-01. Review status: criteria provided, single submitter. Criteria: ACMG Guidelines, 2015. Collection method: clinical testing. Allele origin: germline.

Genome-Nilou Lab
Classification: Pathogenic for Cobalamin C disease. Last evaluated: 2023-04-11. Review status: criteria provided, single submitter. Criteria: ACMG Guidelines, 2015. Collection method: clinical testing. Allele origin: germline. Affected: no.

GeneDx
Classification: Pathogenic. Last evaluated: 2021-08-24. Review status: criteria provided, single submitter. Criteria: GeneDx Variant Classification Process June 2021. Collection method: clinical testing. Allele origin: germline. Affected: yes.
Comment: Nonsense variant predicted to result in protein truncation or nonsense mediated decay in a gene for which loss-of-function is a known mechanism of disease; Not observed at significant frequency in large population cohorts (Lek et al., 2016); This variant is associated with the following publications: (PMID: 32943488, 31589614, 29731766, 31998365, 32208535, 31697851, 30564975, 30863077, 19760748, 20631720, 19447654, 24599607, 30157807, 20924684, 27383490, 26253414, 26149271, 16311595, 27751223)

Women's Health and Genetics/Laboratory Corporation of America, LabCorp
Classification: Pathogenic for Methylmalonic acidemia with homocystinuria. Last evaluated: 2019-12-19. Review status: criteria provided, single submitter. Criteria: LabCorp Variant Classification Summary - May 2015. Collection method: clinical testing. Allele origin: germline.
Comment: Variant summary: MMACHC c.217C>T (p.Arg73X) results in a premature termination codon, predicted to cause a truncation of the encoded protein or absence of the protein due to nonsense mediated decay, which are commonly known mechanisms for disease. Truncations downstream of this position have been classified as pathogenic by our laboratory. The variant allele was found at a frequency of 4e-06 in 249534 control chromosomes (gnomAD). c.217C>T has been reported in the literature in multiple homozygote and compound heterozygote individuals affected with Cobalamin C Disease (Methylmalonic Aciduria with Homocystinuria)(Hu_2018). These data indicate that the variant is very likely to be associated with disease. To our knowledge, no experimental evidence demonstrating an impact on protein function has been reported. Three ClinVar submissions (evaluation after 2014) cite the variant as pathogenic. Based on the evidence outlined above, the variant was classified as pathogenic.

Juno Genomics, Hangzhou Juno Genomics, Inc
Classification: Pathogenic for Cobalamin C disease. Review status: criteria provided, single submitter. Criteria: ACMG Guidelines, 2015. Collection method: clinical testing. Allele origin: germline.
Comment: Absent from controls (or at extremely low frequency if recessive) in Genome Aggregation Database.;Null variant in a gene where loss of function (LOF) is a known mechanism of disease.;For recessive disorders, detected in trans with a pathogenic variant.;Patient's phenotype or family history is highly specific for a disease with a single genetic etiology.

Neurology Department, Peking University First Hospital
Classification: Pathogenic for Methylmalonic acidemia with homocystinuria. Last evaluated: 2020-04-23. Review status: no assertion criteria provided. Collection method: research. Allele origin: germline. Affected: yes. Not counted in ClinVar's aggregate classification.

Counsyl
Classification: Pathogenic for Cobalamin C disease. Last evaluated: 2017-12-28. Review status: no assertion criteria provided. Collection method: clinical testing. Allele origin: unknown. Not counted in ClinVar's aggregate classification.

Literature cited by the submitters: PubMed 16311595 (cited by 3 submitters); PubMed 20631720 (cited by Labcorp Genetics (formerly Invitae), Labcorp); PubMed 27751223 (cited by Labcorp Genetics (formerly Invitae), Labcorp); PubMed 33240318 (cited by Natera, Inc.); PubMed 32208535 (cited by Natera, Inc.); PubMed 30157807 (cited by Women's Health and Genetics/Laboratory Corporation of America, LabCorp).